The following is an entry in ClinVar:

NM_001429.4(EP300):c.2254G>A (p.Gly752Arg)

Gene: EP300 (EP300 lysine acetyltransferase; plus strand). Cytogenetic location: 22q13.2.
Variant type: single nucleotide variant.
Coding change: c.2254G>A on transcript NM_001429.4 (MANE Select); coding-DNA position 2254, G replaced by A.
Protein change: p.Gly752Arg; replaces glycine 752 with arginine.
Molecular consequence: missense variant.
Genome position (GRCh38, 1-based): chr22:41,149,050, G>A. VCF-style: chr22-41149050-G-A. GRCh37 (hg19) VCF-style: chr22-41545054-G-A.
Other names: c.2176G>A, p.Gly726Arg (NM_001362843.2); short protein forms G726R, G752R.
Identifiers: ClinVar variation 3637797 (VCV003637797.2).

ClinVar aggregate classification (germline): Uncertain significance (1 of 4 stars; one submission).

Conditions:
Rubinstein-Taybi syndrome due to EP300 haploinsufficiency. Also called: EP300-Related Rubinstein-Taybi Syndrome; RUBINSTEIN-TAYBI SYNDROME 2. Identifiers: Orphanet 353284, Orphanet 783, MedGen C3150941, MONDO:0013364, OMIM 613684.

Submission:

Labcorp Genetics (formerly Invitae), Labcorp
Classification: Uncertain significance for Rubinstein-Taybi syndrome due to EP300 haploinsufficiency. Last evaluated: 2025-01-08. Review status: criteria provided, single submitter. Criteria: Invitae Variant Classification Sherloc (09022015). Collection method: clinical testing. Allele origin: germline.
Comment: This sequence change replaces glycine, which is neutral and non-polar, with arginine, which is basic and polar, at codon 752 of the EP300 protein (p.Gly752Arg). This variant is present in population databases (no rsID available, gnomAD 0.01%). This variant has not been reported in the literature in individuals affected with EP300-related conditions. Invitae Evidence Modeling of protein sequence and biophysical properties (such as structural, functional, and spatial information, amino acid conservation, physicochemical variation, residue mobility, and thermodynamic stability) indicates that this missense variant is not expected to disrupt EP300 protein function with a negative predictive value of 95%. In summary, the available evidence is currently insufficient to determine the role of this variant in disease. Therefore, it has been classified as a Variant of Uncertain Significance.